The following is an entry in ClinVar:

NM_019892.6(INPP5E):c.478C>G (p.Pro160Ala)

Gene: INPP5E (inositol polyphosphate-5-phosphatase E; minus strand). Cytogenetic location: 9q34.3.
Variant type: single nucleotide variant.
Coding change: c.478C>G on transcript NM_019892.6 (MANE Select); coding-DNA position 478, C replaced by G.
Protein change: p.Pro160Ala; replaces proline 160 with alanine.
Molecular consequence: missense variant.
Genome position (GRCh38, 1-based): chr9:136,438,942, G>C on the plus strand (C>G on the coding strand, the complement: INPP5E is on the minus strand). VCF-style: chr9-136438942-G-C. GRCh37 (hg19) VCF-style: chr9-139333394-G-C.
Other names: c.478C>G, p.Pro160Ala (NM_001318502.2); c.478C>G (NM_019892.5); short protein forms P160A.
Identifiers: ClinVar variation 1355546 (VCV001355546.7), dbSNP rs2131618678, ClinGen allele CA375568698.

ClinVar aggregate classification (germline): Uncertain significance. Review status: criteria provided, multiple submitters, no conflicts (2 of 4 stars). 2 submissions from 2 submitters: Uncertain significance (2). Last evaluated 2026-02-10.

Conditions:
INPP5E-related disorder. Also called: INPP5E-related condition.
Joubert syndrome. Also called: Familial aplasia of the vermis; JOUBERT-BOLTSHAUSER SYNDROME. Identifiers: Orphanet 475, MedGen C5979921, MONDO:0018772.

gnomAD v4.1: 1 of 1,569,552 alleles (0.000064%); highest among the groups gnomAD compares: African/African-American, 0.0013%; no homozygotes.

Submissions (2):

PreventionGenetics, part of Exact Sciences
Classification: Uncertain significance for INPP5E-related condition. Last evaluated: 2026-02-10. Review status: criteria provided, single submitter. Criteria: ACMG Guidelines, 2015. Collection method: clinical testing. Allele origin: germline.
Comment: The INPP5E c.478C>G variant is predicted to result in the amino acid substitution p.Pro160Ala. To our knowledge, this variant has not been reported in the literature or in a large population database (gnomAD), indicating this variant is rare. At this time, the clinical significance of this variant is uncertain due to the absence of conclusive functional and genetic evidence.

Labcorp Genetics (formerly Invitae), Labcorp
Classification: Uncertain significance for Joubert syndrome. Last evaluated: 2021-08-24. Review status: criteria provided, single submitter. Criteria: Invitae Variant Classification Sherloc (09022015). Collection method: clinical testing. Allele origin: germline.
Comment: This sequence change replaces proline with alanine at codon 160 of the INPP5E protein (p.Pro160Ala). The proline residue is weakly conserved and there is a small physicochemical difference between proline and alanine. The frequency data for this variant in the population databases is considered unreliable, as metrics indicate insufficient coverage at this position in the ExAC database. This variant has not been reported in the literature in individuals affected with INPP5E-related conditions. Advanced modeling of protein sequence and biophysical properties (such as structural, functional, and spatial information, amino acid conservation, physicochemical variation, residue mobility, and thermodynamic stability) performed at Invitae indicates that this missense variant is not expected to disrupt INPP5E protein function. In summary, the available evidence is currently insufficient to determine the role of this variant in disease. Therefore, it has been classified as a Variant of Uncertain Significance.